The following is an entry in ClinVar:

NM_001204.7(BMPR2):c.260dup (p.His87fs)

Gene: BMPR2 (bone morphogenetic protein receptor type 2; plus strand). Cytogenetic location: 2q33.1.
Variant type: Duplication.
Coding change: c.260dup on transcript NM_001204.7 (MANE Select); coding-DNA position 260, one base duplicated (A; older notation c.260dupA).
Protein change: p.His87fs; shifts the reading frame from histidine 87.
Molecular consequence: frameshift variant.
Genome position (GRCh38, 1-based): chr2:202,467,531, A duplicated. VCF-style (leftmost placement, unchanged base first): chr2-202467530-C-CA. GRCh37 (hg19) VCF-style: chr2-203332253-C-CA.
Other names: c.260dup, p.H87Qfs*11 (LRG_712t1); c.260dupA (NM_001204.6); short protein forms H87fs.
Identifiers: ClinVar variation 425746 (VCV000425746.8), dbSNP rs1085307199, ClinGen allele CA645294006.

ClinVar aggregate classification (germline): Pathogenic. Review status: criteria provided, single submitter (1 of 4 stars). 2 submissions from 2 submitters: Pathogenic (1). 1 of the submissions does not count toward it. Last evaluated 2024-04-18.

Conditions:
Pulmonary hypertension, primary, 1 (PPH1). Also called: Pulmonary hypertension, familial primary, 1, with or without HHT. Identifiers: Orphanet 422, MedGen C4552070, MONDO:0024533, OMIM 178600.
Primary pulmonary hypertension. Also called: Idiopathic pulmonary hypertension. Identifiers: MedGen C0152171.

Submissions (2):

Labcorp Genetics (formerly Invitae), Labcorp
Classification: Pathogenic for Primary pulmonary hypertension. Last evaluated: 2024-04-18. Review status: criteria provided, single submitter. Criteria: Invitae Variant Classification Sherloc (09022015). Collection method: clinical testing. Allele origin: germline.
Comment: This sequence change creates a premature translational stop signal (p.His87Glnfs*11) in the BMPR2 gene. It is expected to result in an absent or disrupted protein product. Loss-of-function variants in BMPR2 are known to be pathogenic (PMID: 16429395). This variant is not present in population databases (gnomAD no frequency). This premature translational stop signal has been observed in individual(s) with pulmonary arterial hypertension (PMID: 19555857). This variant is also known as c.261insA, p.87fs*9. ClinVar contains an entry for this variant (Variation ID: 425746). For these reasons, this variant has been classified as Pathogenic.

Rare Disease Genomics Group, St George's University of London
Classification: Pathogenic for Primary pulmonary hypertension. Review status: no assertion criteria provided. Collection method: literature only. Allele origin: germline. Affected: yes. Not counted in ClinVar's aggregate classification.

Literature cited by the submitters: PubMed 16429395 (cited by Labcorp Genetics (formerly Invitae), Labcorp); PubMed 19555857 (cited by Labcorp Genetics (formerly Invitae), Labcorp and Rare Disease Genomics Group, St George's University of London).